The following is an entry in ClinVar:

NM_177438.3(DICER1):c.-4A>T

Gene: DICER1 (dicer 1, ribonuclease III; minus strand). Cytogenetic location: 14q32.13.
Variant type: single nucleotide variant.
Coding change: c.-4A>T on transcript NM_177438.3 (MANE Select); 4 bases upstream of the start codon, A replaced by T.
Molecular consequence: 5 prime UTR variant. On other transcripts: non-coding transcript variant (6), intron variant (1).
Genome position (GRCh38, 1-based): chr14:95,133,462, T>A on the plus strand (A>T on the coding strand, the complement: DICER1 is on the minus strand). VCF-style: chr14-95133462-T-A. GRCh37 (hg19) VCF-style: chr14-95599799-T-A.
Other names: c.-1572A>T (NM_001395697.1); c.-278A>T (NM_001395698.1, NM_001395686.1, NM_001395688.1 and 3 more transcripts); c.-4A>T (NM_001395699.1, NM_001395700.1, NM_030621.4 and 14 more transcripts); c.-130-785A>T (NM_001395687.1); c.-462A>T (NM_001395691.1).
Identifiers: ClinVar variation 4869795 (VCV004869795.1).

ClinVar aggregate classification (germline): Uncertain significance (1 of 4 stars; one submission).

Conditions:
Hereditary cancer-predisposing syndrome. Also called: Neoplastic Syndromes, Hereditary; Tumor predisposition; Hereditary Cancer Syndrome; Hereditary neoplastic syndrome. Identifiers: Orphanet 140162, MedGen C0027672, MeSH D009386, MONDO:0015356.

Submission:

Ambry Genetics
Classification: Uncertain significance for Hereditary cancer-predisposing syndrome. Last evaluated: 2026-05-19. Review status: criteria provided, single submitter. Criteria: Ambry Variant Classification Scheme 2023. Collection method: clinical testing. Allele origin: germline.
Comment: The c.-4A>T variant is located in the 5' untranslated region (5&rsquo; UTR) of the DICER1 gene. This variant results from an A to T substitution 4 bases upstream from the first translated codon. This nucleotide position is highly conserved in available vertebrate species. Based on the available evidence, the clinical significance of this variant remains unclear.